The following is an entry in ClinVar:

NM_007194.4(CHEK2):c.1533T>G (p.Val511=)

Gene: CHEK2 (checkpoint kinase 2; minus strand). Cytogenetic location: 22q12.1.
Variant type: single nucleotide variant.
Coding change: c.1533T>G on transcript NM_007194.4 (MANE Select); coding-DNA position 1533, T replaced by G.
Protein change: p.Val511=; no amino-acid change (valine 511 retained).
Molecular consequence: synonymous variant.
Genome position (GRCh38, 1-based): chr22:28,689,144, A>C on the plus strand (T>G on the coding strand, the complement: CHEK2 is on the minus strand). VCF-style: chr22-28689144-A-C. GRCh37 (hg19) VCF-style: chr22-29085132-A-C.
Other names: c.1662T>G, p.Val554= (NM_001005735.3); c.870T>G, p.Val290= (NM_001257387.3); c.1332T>G, p.Val444= (NM_001349956.3); c.1446T>G, p.Val482= (NM_145862.3).
Identifiers: ClinVar variation 1616666 (VCV001616666.11), dbSNP rs2145748251, ClinGen allele CA513944699.
Genomic context (GRCh38, chr22:28,689,144, plus strand): 5'-TCAGCTCCTTAAGCCCAGACTACATTTAGTGATCATCAGGAATACGAATACCTGGGCTAG[A>C]ACCTGGGGTAGAGCTGTGGATTCATTTTCCTCAGACAGAAGATCTTGAAACTTTCTCTTC-3'
Protein context (NP_009125.1, residues 501-521): EENESTALPQ[Val511=]LAQPSTSRKR

ClinVar aggregate classification (germline): Conflicting classifications of pathogenicity. Review status: criteria provided, conflicting classifications (1 of 4 stars). 3 submissions from 3 submitters: Uncertain significance (1); Benign (1); Likely benign (1). Last evaluated 2024-10-08.

Conditions:
Hereditary cancer-predisposing syndrome. Also called: Tumor predisposition; Hereditary neoplastic syndrome; Neoplastic Syndromes, Hereditary; Hereditary Cancer Syndrome. Identifiers: Orphanet 140162, MedGen C0027672, MeSH D009386, MONDO:0015356.
Familial cancer of breast. Also called: hereditary breast carcinoma; Hereditary breast cancer; BREAST CANCER, FAMILIAL. Identifiers: Orphanet 227535, MedGen C0346153, MONDO:0016419, OMIM 114480. Disease mechanism: loss of function.

Submissions (3):

Myriad Genetics, Inc.
Classification: Benign for Familial cancer of breast. Last evaluated: 2024-10-08. Review status: criteria provided, single submitter. Criteria: Myriad Autosomal Dominant, Autosomal Recessive and X-Linked Classification Criteria (2023). Collection method: clinical testing. Allele origin: unknown.
Comment: This variant is considered benign. This variant is a silent/synonymous amino acid change and it is not expected to impact splicing.

Ambry Genetics
Classification: Uncertain significance for Hereditary cancer-predisposing syndrome. Last evaluated: 2024-05-03. Review status: criteria provided, single submitter. Criteria: Ambry Variant Classification Scheme 2023. Collection method: clinical testing. Allele origin: germline.
Comment: The c.1533T>G variant (also known as p.V511V), located in coding exon 13 of the CHEK2 gene, results from a T to G substitution at nucleotide position 1533. This nucleotide substitution does not change the valine at codon 511. This nucleotide position is poorly conserved in available vertebrate species. In silico splice site analysis predicts that this alteration may result in the creation or strengthening of a novel splice donor site. Based on the available evidence, the clinical significance of this variant remains unclear.

Labcorp Genetics (formerly Invitae), Labcorp
Classification: Likely benign for Familial cancer of breast. Last evaluated: 2020-12-06. Review status: criteria provided, single submitter. Criteria: Invitae Variant Classification Sherloc (09022015). Collection method: clinical testing. Allele origin: germline.